The following is an entry in ClinVar:

NM_006017.3(PROM1):c.1966G>A (p.Ala656Thr)

Gene: PROM1 (prominin 1; minus strand). Cytogenetic location: 4p15.32.
Variant type: single nucleotide variant.
Coding change: c.1966G>A on transcript NM_006017.3 (MANE Select); coding-DNA position 1966, G replaced by A.
Protein change: p.Ala656Thr; replaces alanine 656 with threonine.
Molecular consequence: missense variant.
Genome position (GRCh38, 1-based): chr4:15,991,239, C>T on the plus strand (G>A on the coding strand, the complement: PROM1 is on the minus strand). VCF-style: chr4-15991239-C-T. GRCh37 (hg19) VCF-style: chr4-15992862-C-T.
Other names: c.1939G>A, p.Ala647Thr (NM_001145847.2, NM_001145848.2, NM_001145851.2 and 4 more transcripts); c.1966G>A, p.Ala656Thr (NM_001145849.2, NM_001145850.2); short protein forms A647T, A656T.
Identifiers: ClinVar variation 2993155 (VCV002993155.3), dbSNP rs1045090165, ClinGen allele CA92580796.

ClinVar aggregate classification (germline): Uncertain significance (1 of 4 stars; one submission).

Allele frequency attached by ClinVar (database versions not stated): TOPMed 0.00001.

Submission:

Labcorp Genetics (formerly Invitae), Labcorp
Classification: Uncertain significance. Last evaluated: 2022-12-12. Review status: criteria provided, single submitter. Criteria: Invitae Variant Classification Sherloc (09022015). Collection method: clinical testing. Allele origin: germline.
Comment: In summary, the available evidence is currently insufficient to determine the role of this variant in disease. Therefore, it has been classified as a Variant of Uncertain Significance. Algorithms developed to predict the effect of sequence changes on RNA splicing suggest that this variant may disrupt the consensus splice site. Advanced modeling of protein sequence and biophysical properties (such as structural, functional, and spatial information, amino acid conservation, physicochemical variation, residue mobility, and thermodynamic stability) performed at Invitae indicates that this missense variant is not expected to disrupt PROM1 protein function. This variant has not been reported in the literature in individuals affected with PROM1-related conditions. This variant is not present in population databases (gnomAD no frequency). This sequence change replaces alanine, which is neutral and non-polar, with threonine, which is neutral and polar, at codon 656 of the PROM1 protein (p.Ala656Thr).